The following is an entry in ClinVar:

NM_198999.3(SLC26A5):c.1070T>C (p.Met357Thr)

Gene: SLC26A5 (solute carrier family 26 member 5; minus strand). Cytogenetic location: 7q22.1.
Variant type: single nucleotide variant.
Coding change: c.1070T>C on transcript NM_198999.3 (MANE Select); coding-DNA position 1070, T replaced by C.
Protein change: p.Met357Thr; replaces methionine 357 with threonine.
Molecular consequence: missense variant. On other transcripts: non-coding transcript variant (3), intron variant (1).
Genome position (GRCh38, 1-based): chr7:103,392,968, A>G on the plus strand (T>C on the coding strand, the complement: SLC26A5 is on the minus strand). VCF-style: chr7-103392968-A-G. GRCh37 (hg19) VCF-style: chr7-103033415-A-G.
Other names: c.1070T>C, p.Met357Thr (NM_001167962.2, NM_001321787.2, NM_206883.3 and 1 more transcripts); c.971+4964T>C (NM_206885.3); short protein forms M357T.
Identifiers: ClinVar variation 1489763 (VCV001489763.8), dbSNP rs1168212400, ClinGen allele CA368760653.

ClinVar aggregate classification (germline): Uncertain significance (1 of 4 stars; one submission).

Allele frequency attached by ClinVar (database versions not stated): gnomAD exomes below 0.00001 and 0.00001; TOPMed 0.00002; gnomAD 0.00003 and 0.00004.
gnomAD v4.1: 14 of 1,613,912 alleles (0.00087%); highest among the groups gnomAD compares: African/African-American, 0.0013%; no homozygotes.

Submission:

Labcorp Genetics (formerly Invitae), Labcorp
Classification: Uncertain significance. Last evaluated: 2022-06-09. Review status: criteria provided, single submitter. Criteria: Invitae Variant Classification Sherloc (09022015). Collection method: clinical testing. Allele origin: germline.
Comment: In summary, the available evidence is currently insufficient to determine the role of this variant in disease. Therefore, it has been classified as a Variant of Uncertain Significance. Algorithms developed to predict the effect of missense changes on protein structure and function (SIFT, PolyPhen-2, Align-GVGD) all suggest that this variant is likely to be disruptive. This variant has not been reported in the literature in individuals affected with SLC26A5-related conditions. This variant is present in population databases (no rsID available, gnomAD 0.004%). This sequence change replaces methionine, which is neutral and non-polar, with threonine, which is neutral and polar, at codon 357 of the SLC26A5 protein (p.Met357Thr).